The following is an entry in ClinVar:

NM_004100.5(EYA4):c.790A>G (p.Ser264Gly)

Gene: EYA4 (EYA transcriptional coactivator and phosphatase 4; plus strand). Cytogenetic location: 6q23.2.
Variant type: single nucleotide variant.
Coding change: c.790A>G on transcript NM_004100.5 (MANE Select); coding-DNA position 790, A replaced by G.
Protein change: p.Ser264Gly; replaces serine 264 with glycine.
Molecular consequence: missense variant.
Genome position (GRCh38, 1-based): chr6:133,464,844, A>G. VCF-style: chr6-133464844-A-G. GRCh37 (hg19) VCF-style: chr6-133785982-A-G.
Other names: c.628A>G, p.Ser210Gly (NM_001301012.2, NM_001370459.1); c.790A>G, p.Ser264Gly (NM_001301013.2, NM_172105.4); c.721A>G, p.Ser241Gly (NM_001370458.1, NM_172103.4); short protein forms S264G, S210G, S241G.
Identifiers: ClinVar variation 534391 (VCV000534391.10), dbSNP rs1392356186, ClinGen allele CA365701369.

ClinVar aggregate classification (germline): Uncertain significance. Review status: criteria provided, multiple submitters, no conflicts (2 of 4 stars). 2 submissions from 2 submitters: Uncertain significance (2). Last evaluated 2023-08-23.

Conditions:
Cardiovascular phenotype. Identifiers: MedGen CN230736.
Dilated cardiomyopathy 1J (CMD1J). Also called: CARDIOMYOPATHY, DILATED, WITH SENSORINEURAL HEARING LOSS, AUTOSOMAL DOMINANT. Identifiers: Orphanet 217622, MedGen C1854368, MONDO:0011541, OMIM 605362.

Allele frequency attached by ClinVar (database versions not stated): gnomAD exomes below 0.00001 and 0.00001.
gnomAD v4.1: 4 of 1,608,792 alleles (0.00025%); highest among the groups gnomAD compares: East Asian, 0.0089%; no homozygotes.

Submissions (2):

Labcorp Genetics (formerly Invitae), Labcorp
Classification: Uncertain significance for Dilated cardiomyopathy 1J. Last evaluated: 2023-08-23. Review status: criteria provided, single submitter. Criteria: Invitae Variant Classification Sherloc (09022015). Collection method: clinical testing. Allele origin: germline.
Comment: Advanced modeling of protein sequence and biophysical properties (such as structural, functional, and spatial information, amino acid conservation, physicochemical variation, residue mobility, and thermodynamic stability) performed at Invitae indicates that this missense variant is not expected to disrupt EYA4 protein function. ClinVar contains an entry for this variant (Variation ID: 534391). This variant has not been reported in the literature in individuals affected with EYA4-related conditions. This variant is present in population databases (no rsID available, gnomAD 0.02%). This sequence change replaces serine, which is neutral and polar, with glycine, which is neutral and non-polar, at codon 264 of the EYA4 protein (p.Ser264Gly). In summary, the available evidence is currently insufficient to determine the role of this variant in disease. Therefore, it has been classified as a Variant of Uncertain Significance.

Ambry Genetics
Classification: Uncertain significance for Cardiovascular phenotype. Last evaluated: 2023-08-02. Review status: criteria provided, single submitter. Criteria: Ambry Variant Classification Scheme 2023. Collection method: clinical testing. Allele origin: germline.
Comment: The p.S264G variant (also known as c.790A>G), located in coding exon 9 of the EYA4 gene, results from an A to G substitution at nucleotide position 790. The serine at codon 264 is replaced by glycine, an amino acid with similar properties. This amino acid position is conserved. In addition, the in silico prediction for this alteration is inconclusive. Since supporting evidence is limited at this time, the clinical significance of this alteration remains unclear.